The following is an entry in ClinVar:

NM_001267550.2(TTN):c.48369dup (p.Glu16124fs)

Genes: TTN (titin; minus strand), TTN-AS1 (TTN antisense RNA 1; plus strand). Cytogenetic location: 2q31.2.
Variant type: Duplication.
Coding change: c.48369dup on transcript NM_001267550.2 (MANE Select); coding-DNA position 48369, one base duplicated (A; older notation c.48369dupA).
Protein change: p.Glu16124fs; shifts the reading frame from glutamic acid 16124.
Molecular consequence: frameshift variant.
Genome position (GRCh38, 1-based): chr2:178,615,732, T duplicated on the plus strand (A on the coding strand, the reverse complement: TTN is on the minus strand); the first of 4 consecutive T bases (chr2:178,615,732-178,615,735); duplicating any one gives the same sequence. VCF-style (leftmost placement, unchanged base first): chr2-178615731-C-CT. GRCh37 (hg19) VCF-style: chr2-179480458-C-CT.
Other names: c.43446dup, p.Glu14483fs (NM_001256850.1); c.21174dup, p.Glu7059fs (NM_003319.4); c.40665dup, p.Glu13556fs (NM_133378.4); c.21549dup, p.Glu7184fs (NM_133432.3); c.21750dup, p.Glu7251fs (NM_133437.4); c.48369dupA (NM_001267550.2); short protein forms E13556fs, E14483fs, E7059fs, E7184fs, E16124fs, E7251fs.
Identifiers: ClinVar variation 535006 (VCV000535006.9), dbSNP rs1553705557, ClinGen allele CA658796073.
Genomic context (GRCh38, chr2:178,615,731, plus strand): 5'-CAACATATGCAGGTTCTCCAGGGCCACATTTGTTACGAGCACAAACTTTAAATAAGTACT[C>CT]TTTTCCTTGAACAAGATCAGGAACTGTGAATTCTAGATCAGTCACAAAGTCCATAACCTG-3'

ClinVar aggregate classification (germline): Likely pathogenic (1 of 4 stars; one submission).

Conditions:
Autosomal recessive limb-girdle muscular dystrophy type 2J (LGMDR10). Also called: Limb-girdle muscular dystrophy, type 2J; MUSCULAR DYSTROPHY, LIMB-GIRDLE, AUTOSOMAL RECESSIVE 10. Identifiers: Orphanet 140922, MedGen C1837342, MONDO:0012127, OMIM 608807.
Dilated cardiomyopathy 1G (CMD1G). Identifiers: Orphanet 154, MedGen C1858763, MONDO:0011400, OMIM 604145.

Submission:

Labcorp Genetics (formerly Invitae), Labcorp
Classification: Likely pathogenic for Dilated cardiomyopathy 1G; Autosomal recessive limb-girdle muscular dystrophy type 2J. Last evaluated: 2022-10-13. Review status: criteria provided, single submitter. Criteria: Invitae Variant Classification Sherloc (09022015). Collection method: clinical testing. Allele origin: germline.
Comment: This variant is located in the A band of TTN (PMID: 25589632). Truncating variants in this region are significantly overrepresented in patients affected with dilated cardiomyopathy (PMID: 25589632). Truncating variants in this region have also been reported in individuals affected with autosomal recessive centronuclear myopathy (PMID: 23975875). ClinVar contains an entry for this variant (Variation ID: 535006). This variant has not been reported in the literature in individuals affected with TTN-related conditions. This variant is not present in population databases (gnomAD no frequency). This sequence change creates a premature translational stop signal (p.Glu16124Argfs*5) in the TTN gene. While this is not anticipated to result in nonsense mediated decay, it is expected to create a truncated TTN protein. In summary, the currently available evidence indicates that the variant is pathogenic, but additional data are needed to prove that conclusively. Therefore, this variant has been classified as Likely Pathogenic.

Literature cited by the submitters: PubMed 25589632; PubMed 23975875.